The following is an entry in ClinVar:

ClinVar aggregate classification (germline): Benign (1 of 4 stars; one submission).

Allele frequency attached by ClinVar (database versions not stated): gnomAD 0.43016 and 0.43053; TOPMed 0.43833; 1000 Genomes Project 0.47963; 1000 Genomes Project 30x 0.48267.
gnomAD v4.1: 65,166 of 151,806 alleles (43%); highest among the groups gnomAD compares: African/African-American, 64%; 15,591 homozygotes.

Submission:

GeneDx
Classification: Benign. Last evaluated: 2018-06-14. Review status: criteria provided, single submitter. Criteria: GeneDx Variant Classification (06012015). Collection method: clinical testing. Allele origin: germline. Affected: yes.
Comment: This variant is considered likely benign or benign based on one or more of the following criteria: it is a conservative change, it occurs at a poorly conserved position in the protein, it is predicted to be benign by multiple in silico algorithms, and/or has population frequency not consistent with disease.

NM_001101426.4(CRPPA):c.257+164T>C

Gene: CRPPA (CDP-L-ribitol pyrophosphorylase A; minus strand). Cytogenetic location: 7p21.2.
Variant type: single nucleotide variant.
Coding change: c.257+164T>C on transcript NM_001101426.4 (MANE Select); 164 bases into the intron after coding-DNA position 257, T replaced by C.
Molecular consequence: intron variant.
Genome position (GRCh38, 1-based): chr7:16,420,902, A>G on the plus strand (T>C on the coding strand, the complement: CRPPA is on the minus strand). VCF-style: chr7-16420902-A-G. GRCh37 (hg19) VCF-style: chr7-16460527-A-G.
Other names: c.257+164T>C (NM_001101417.4, NM_001368197.1).
Identifiers: ClinVar variation 681980 (VCV000681980.1), dbSNP rs9691296, ClinGen allele CA12498789.